The following is an entry in ClinVar:

NM_001244008.2(KIF1A):c.4004A>G (p.Asp1335Gly)

Gene: KIF1A (kinesin family member 1A; minus strand). Cytogenetic location: 2q37.3.
Variant type: single nucleotide variant.
Coding change: c.4004A>G on transcript NM_001244008.2 (MANE Select); coding-DNA position 4004, A replaced by G.
Protein change: p.Asp1335Gly; replaces aspartic acid 1335 with glycine.
Molecular consequence: missense variant.
Genome position (GRCh38, 1-based): chr2:240,737,066, T>C on the plus strand (A>G on the coding strand, the complement: KIF1A is on the minus strand). VCF-style: chr2-240737066-T-C. GRCh37 (hg19) VCF-style: chr2-241676483-T-C.
Other names: c.3728A>G, p.Asp1243Gly (NM_001320705.2, NM_001330289.2, NM_001379638.1); c.3803A>G, p.Asp1268Gly (NM_001330290.2, NM_001379634.1, NM_001379635.1 and 1 more transcripts); c.4079A>G, p.Asp1360Gly (NM_001379631.1); c.3953A>G, p.Asp1318Gly (NM_001379632.1); c.3977A>G, p.Asp1326Gly (NM_001379633.1, NM_001379642.1, NM_001379645.1); c.3815A>G, p.Asp1272Gly (NM_001379636.1); c.3776A>G, p.Asp1259Gly (NM_001379637.1, NM_001379648.1); c.3701A>G, p.Asp1234Gly (NM_001379639.1, NM_001379641.1, NM_001379649.1 and 4 more transcripts); and 1 more; short protein forms D1234G, D1335G, D1268G, D1243G, D1233G, D1259G, D1272G, D1318G.
Identifiers: ClinVar variation 435634 (VCV000435634.29), dbSNP rs747271930, ClinGen allele CA2207558.

ClinVar aggregate classification (germline): Conflicting classifications of pathogenicity. Review status: criteria provided, conflicting classifications (1 of 4 stars). 4 submissions from 4 submitters: Uncertain significance (3); Likely benign (1). Last evaluated 2024-10-01.

Conditions:
Inborn genetic diseases. Identifiers: MedGen C0950123, MeSH D030342.
Hereditary spastic paraplegia 30. Identifiers: Orphanet 101010, MedGen C5235139, MONDO:0012476.
Neuropathy, hereditary sensory, type 2C. Also called: Hereditary sensory and autonomic neuropathy type IIC; KIF1A-Related HSAN2 (HSAN2C). Identifiers: Orphanet 970, MedGen C3280168, MONDO:0013634, OMIM 614213.
Intellectual disability, autosomal dominant 9 (NESCAVS). Also called: KIF1A-Related Neurodevelopmental Disorder; NESCAV SYNDROME. Identifiers: Orphanet 662367, MedGen C5393830, MONDO:0013656, OMIM 614255.

Allele frequency attached by ClinVar (database versions not stated): ExAC 0.00001; gnomAD 0.00001; gnomAD exomes 0.00001.
gnomAD v4.1: 19 of 1,610,866 alleles (0.0012%); highest among the groups gnomAD compares: Non-Finnish European, 0.0016%; no homozygotes.

Submissions (4):

CeGaT Center for Human Genetics Tuebingen
Classification: Uncertain significance. Last evaluated: 2024-10-01. Review status: criteria provided, single submitter. Criteria: CeGaT Center For Human Genetics Tuebingen Variant Classification Criteria Version 2. Collection method: clinical testing. Allele origin: germline. Affected: yes. Observed: 1 variant allele.
Comment: KIF1A: PM2

Labcorp Genetics (formerly Invitae), Labcorp
Classification: Likely benign for Hereditary spastic paraplegia 30; Neuropathy, hereditary sensory, type 2C; Intellectual disability, autosomal dominant 9. Last evaluated: 2024-06-01. Review status: criteria provided, single submitter. Criteria: Invitae Variant Classification Sherloc (09022015). Collection method: clinical testing. Allele origin: germline.

Ambry Genetics
Classification: Uncertain significance for Inborn genetic diseases. Last evaluated: 2021-11-15. Review status: criteria provided, single submitter. Criteria: Ambry Variant Classification Scheme 2023. Collection method: clinical testing. Allele origin: germline.
Comment: The p.D1335G variant (also known as c.4004A>G), located in coding exon 37 of the KIF1A gene, results from an A to G substitution at nucleotide position 4004. The aspartic acid at codon 1335 is replaced by glycine, an amino acid with similar properties. This amino acid position is highly conserved in available vertebrate species. In addition, this alteration is predicted to be deleterious by in silico analysis. Since supporting evidence is limited at this time, the clinical significance of this alteration remains unclear.

Genetic Services Laboratory, University of Chicago
Classification: Uncertain significance. Last evaluated: 2016-03-17. Review status: criteria provided, single submitter. Criteria: ACMG Guidelines, 2015. Collection method: clinical testing. Allele origin: germline. Affected: no.